The following is an entry in ClinVar:

NM_000497.4(CYP11B1):c.1231G>C (p.Gly411Arg)

Genes: CYP11B1 (cytochrome P450 family 11 subfamily B member 1; minus strand), LOC106799833 (CYP11B1 recombination region; plus strand). Cytogenetic location: 8q24.3.
Variant type: single nucleotide variant.
Coding change: c.1231G>C on transcript NM_000497.4 (MANE Select); coding-DNA position 1231, G replaced by C.
Protein change: p.Gly411Arg; replaces glycine 411 with arginine.
Molecular consequence: missense variant. On other transcripts: intron variant (1).
Genome position (GRCh38, 1-based): chr8:142,875,124, C>G on the plus strand (G>C on the coding strand, the complement: CYP11B1 is on the minus strand). VCF-style: chr8-142875124-C-G. GRCh37 (hg19) VCF-style: chr8-143956540-C-G.
Other names: c.1200+110G>C (NM_001026213.1); short protein forms G411R.
Identifiers: ClinVar variation 4057300 (VCV004057300.1).

ClinVar aggregate classification (germline): Uncertain significance (1 of 4 stars; one submission).

Conditions:
Deficiency of steroid 11-beta-monooxygenase (CYP11B1). Also called: ADRENAL HYPERPLASIA, CONGENITAL, DUE TO STEROID 11-BETA-HYDROXYLASE DEFICIENCY; 11-BETA-HYDROXYLASE DEFICIENCY; ADRENAL HYPERPLASIA IV; P450C11B1 DEFICIENCY; STEROID 11-BETA-HYDROXYLASE DEFICIENCY; Congenital adrenal hyperplasia due to 11-beta-hydroxylase deficiency. Identifiers: Orphanet 90795, MedGen C0268292, MONDO:0008729, OMIM 202010. Disease mechanism: loss of function.

Submission:

Diagnostics Services (NGS), CSIR - Centre For Cellular And Molecular Biology
Classification: Uncertain significance for Deficiency of steroid 11-beta-monooxygenase. Last evaluated: 2025-05-14. Review status: criteria provided, single submitter. Criteria: ACMG Guidelines, 2015. Collection method: clinical testing. Allele origin: germline. Affected: yes. Observed: 1 variant allele, 1 homozygote.
Comment: The c.1231G>C variant is not present in publicly available population databases like 1000 Genomes, EVS, gnomAD, Indian Exome Database or our internal database. This variant has neither been published in literature in individuals affected with CYP11B1-related conditions nor reported to the clinical databases like Human Genome Mutation Database (HGMD), ClinVar or OMIM, in any affected individuals. In-silico pathogenicity prediction programs like SIFT, Polyphen-2, MutationTaster2, CADD, etc predicted this variant to be likely deleterious, however these predictions were not confirmed by published functional studies.